The following is an entry in ClinVar:

ClinVar aggregate classification (germline): Pathogenic (1 of 4 stars; one submission).

Conditions:
ARID1B-Related Disorder. Identifiers: MedGen CN381337.

Submission:

Daryl Scott Lab, Baylor College of Medicine
Classification: Pathogenic for ARID1B-related disorder. Last evaluated: 2025-08-25. Review status: criteria provided, single submitter. Criteria: ACMG Guidelines, 2015. Collection method: clinical testing. Allele origin: de novo. Affected: yes. Observed: 1 heterozygote.
Comment: PVS1, PS2, PM2

NM_020732.3:c.3532dupC

Gene: ARID1B (AT-rich interaction domain 1B; plus strand).
Variant type: Duplication.
Other names: c.3532dupC (NM_020732.3).
Identifiers: ClinVar variation 4279653 (VCV004279653.1).